The following is an entry in ClinVar:

ClinVar aggregate classification (germline): Uncertain significance (1 of 4 stars; one submission).

Submission:

Labcorp Genetics (formerly Invitae), Labcorp
Classification: Uncertain significance. Last evaluated: 2021-09-25. Review status: criteria provided, single submitter. Criteria: Invitae Variant Classification Sherloc (09022015). Collection method: clinical testing. Allele origin: germline.
Comment: In summary, the available evidence is currently insufficient to determine the role of this variant in disease. Therefore, it has been classified as a Variant of Uncertain Significance. Algorithms developed to predict the effect of sequence changes on RNA splicing suggest that this variant may create or strengthen a splice site. Algorithms developed to predict the effect of missense changes on protein structure and function output the following: SIFT: "Tolerated"; PolyPhen-2: "Benign"; Align-GVGD: "Class C0". The valine amino acid residue is found in multiple mammalian species, which suggests that this missense change does not adversely affect protein function. This variant has not been reported in the literature in individuals affected with DONSON-related conditions. This variant is not present in population databases (ExAC no frequency). This sequence change replaces phenylalanine with valine at codon 108 of the DONSON protein (p.Phe108Val). The phenylalanine residue is moderately conserved and there is a small physicochemical difference between phenylalanine and valine.

NM_017613.4(DONSON):c.322T>G (p.Phe108Val)

Gene: DONSON (DNA replication fork stabilization factor DONSON; minus strand). Cytogenetic location: 21q22.11.
Variant type: single nucleotide variant.
Coding change: c.322T>G on transcript NM_017613.4 (MANE Select); coding-DNA position 322, T replaced by G.
Protein change: p.Phe108Val; replaces phenylalanine 108 with valine.
Molecular consequence: missense variant.
Genome position (GRCh38, 1-based): chr21:33,587,602, A>C on the plus strand (T>G on the coding strand, the complement: DONSON is on the minus strand). VCF-style: chr21-33587602-A-C. GRCh37 (hg19) VCF-style: chr21-34959908-A-C.
Other names: short protein forms F108V.
Identifiers: ClinVar variation 1364955 (VCV001364955.6), dbSNP rs2145908740, ClinGen allele CA410143599.
Genomic context (GRCh38, chr21:33,587,602, plus strand): 5'-TTGTTCTTTCAGGAAACTTCTCTTCCCATAGCAAATCATTTTCTTGATTAGAATCTAAAA[A>C]CTGAGGTTAAATATATTCTCCTTTAAAATTTAAAGGATGCTGAAGTTTGCGTTAAATATG-3'
Protein context (NP_060083.1, residues 98-118): AREQPEAPVP[Phe108Val]LDSNQENDLL